The following is an entry in ClinVar:

ClinVar aggregate classification (germline): Benign/Likely benign. Review status: criteria provided, multiple submitters, no conflicts (2 of 4 stars). 3 submissions from 3 submitters: Benign (1); Likely benign (2). Last evaluated 2025-03-19.

Submissions (3):

Mayo Clinic Laboratories, Mayo Clinic
Classification: Likely benign. Last evaluated: 2025-03-19. Review status: criteria provided, single submitter. Criteria: ACMG Guidelines, 2015. Collection method: clinical testing. Allele origin: germline. Observed: 1 variant allele.
Comment: BS1, BP3

Blueprint Genetics
Classification: Likely benign. Last evaluated: 2024-11-26. Review status: criteria provided, single submitter. Criteria: ACMG Guidelines, 2015. Collection method: clinical testing. Allele origin: germline.

CeGaT Center for Human Genetics Tuebingen
Classification: Benign. Last evaluated: 2022-11-01. Review status: criteria provided, single submitter. Criteria: CeGaT Center For Human Genetics Tuebingen Variant Classification Criteria Version 2. Collection method: clinical testing. Allele origin: germline. Affected: yes. Observed: 1 variant allele.
Comment: IRF2BPL: BS1, BS2

NM_024496.4(IRF2BPL):c.345GCA[7] (p.Gln125_Gln127del)

Gene: IRF2BPL (interferon regulatory factor 2 binding protein like; minus strand). Cytogenetic location: 14q24.3.
Variant type: Microsatellite.
Coding change: c.345GCA[7] on transcript NM_024496.4 (MANE Select); seven copies in a row of the 3-base unit GCA starting at c.345; the reference has ten copies in a row; three copies, 9 bases deleted; also written c.366_374del.
Protein change: p.Gln125_Gln127del.
Molecular consequence: inframe deletion.
Genome position (GRCh38, 1-based): chr14:77,027,419-77,027,427, TGCTGCTGC deleted on the plus strand (GCAGCAGCA on the coding strand, the reverse complement: IRF2BPL is on the minus strand); deleting any 9 consecutive bases within chr14:77,027,419-77,027,450 gives the same sequence; the position shown is the placement nearest the transcript's 3' end. VCF-style (leftmost placement, unchanged base first): chr14-77027418-TTGCTGCTGC-T. GRCh37 (hg19) VCF-style: chr14-77493761-TTGCTGCTGC-T.
Other names: p.Gln125_Gln127del; c.366_374del (NM_024496.4).
Identifiers: ClinVar variation 2644409 (VCV002644409.26), dbSNP rs200317113, ClinGen allele CA7283974.